The following is an entry in ClinVar:

ClinVar aggregate classification (germline): Uncertain significance (1 of 4 stars; one submission).

Conditions:
Inborn genetic diseases. Identifiers: MedGen C0950123, MeSH D030342.

gnomAD v4.1: 19 of 1,614,166 alleles (0.0012%); highest among the groups gnomAD compares: South Asian, 0.013%; no homozygotes.

Submission:

Ambry Genetics
Classification: Uncertain significance for Inborn genetic diseases. Last evaluated: 2026-07-01. Review status: criteria provided, single submitter. Criteria: Ambry Variant Classification Scheme 2023. Collection method: clinical testing. Allele origin: germline.
Comment: The p.R1404C variant (also known as c.4210C>T), located in coding exon 20 of the ERCC6 gene, results from a C to T substitution at nucleotide position 4210. The arginine at codon 1404 is replaced by cysteine, an amino acid with highly dissimilar properties. This amino acid position is conserved. In addition, the in silico prediction for this alteration is inconclusive. Based on the available evidence, the clinical significance of this variant remains unclear.

NM_000124.4(ERCC6):c.4210C>T (p.Arg1404Cys)

Gene: ERCC6 (ERCC excision repair 6, chromatin remodeling factor; minus strand). Cytogenetic location: 10q11.23.
Variant type: single nucleotide variant.
Coding change: c.4210C>T on transcript NM_000124.4 (MANE Select); coding-DNA position 4210, C replaced by T.
Protein change: p.Arg1404Cys; replaces arginine 1404 with cysteine.
Molecular consequence: missense variant.
Genome position (GRCh38, 1-based): chr10:49,459,087, G>A on the plus strand (C>T on the coding strand, the complement: ERCC6 is on the minus strand). VCF-style: chr10-49459087-G-A. GRCh37 (hg19) VCF-style: chr10-50667133-G-A.
Other names: c.4210C>T, p.Arg1404Cys (NM_001346440.2); short protein forms R1404C.
Identifiers: ClinVar variation 5036065 (VCV005036065.1).